The following is an entry in ClinVar:

NM_001283009.2(RTEL1):c.1907C>T (p.Thr636Met)

Genes: RTEL1 (regulator of telomere elongation helicase 1; plus strand), RTEL1-TNFRSF6B (RTEL1-TNFRSF6B readthrough (NMD candidate); plus strand). Cytogenetic location: 20q13.33.
Variant type: single nucleotide variant.
Coding change: c.1907C>T on transcript NM_001283009.2 (MANE Select); coding-DNA position 1907, C replaced by T.
Protein change: p.Thr636Met; replaces threonine 636 with methionine.
Molecular consequence: missense variant. On other transcripts: non-coding transcript variant (1).
Genome position (GRCh38, 1-based): chr20:63,689,530, C>T. VCF-style: chr20-63689530-C-T. GRCh37 (hg19) VCF-style: chr20-62320883-C-T.
Other names: c.1979C>T (NM_032957.4); c.1238C>T, p.Thr413Met (NM_001283010.1); c.1907C>T, p.Thr636Met (NM_016434.4); c.1979C>T, p.Thr660Met (NM_032957.5); short protein forms T636M, T660M, T413M.
Identifiers: ClinVar variation 839409 (VCV000839409.9), dbSNP rs200847054, ClinGen allele CA9965078.

ClinVar aggregate classification (germline): Conflicting classifications of pathogenicity. Review status: criteria provided, conflicting classifications (1 of 4 stars). 3 submissions from 3 submitters: Uncertain significance (1); Likely benign (1). 1 of the submissions does not count toward it. Last evaluated 2025-11-22.

Conditions:
Pulmonary fibrosis and/or bone marrow failure, Telomere-related, 3. Also called: PULMONARY FIBROSIS AND/OR BONE MARROW FAILURE SYNDROME, TELOMERE-RELATED, 3. Identifiers: Orphanet 2032, MedGen C4225346, MONDO:0014613, OMIM 616373.
Dyskeratosis congenita, autosomal recessive 5 (DKCB5). Identifiers: MedGen C3554656, MONDO:0014076, OMIM 615190.
Inborn genetic diseases. Identifiers: MedGen C0950123, MeSH D030342.
Dyskeratosis congenita. Identifiers: Orphanet 1775, MedGen C0265965, MONDO:0015780.

Allele frequency attached by ClinVar (database versions not stated): TOPMed below 0.00001; gnomAD 0.00001; gnomAD exomes 0.00001 and 0.00005; ExAC 0.00008; 1000 Genomes Project 0.00020; 1000 Genomes Project 30x 0.00031.
gnomAD v4.1: 28 of 1,609,108 alleles (0.0017%); highest among the groups gnomAD compares: South Asian, 0.0022%; no homozygotes.

Submissions (3):

Labcorp Genetics (formerly Invitae), Labcorp
Classification: Uncertain significance for Dyskeratosis congenita, autosomal recessive 5; Pulmonary fibrosis and/or bone marrow failure, Telomere-related, 3. Last evaluated: 2025-11-22. Review status: criteria provided, single submitter. Criteria: Invitae Variant Classification Sherloc (09022015). Collection method: clinical testing. Allele origin: germline.
Comment: This sequence change replaces threonine, which is neutral and polar, with methionine, which is neutral and non-polar, at codon 636 of the RTEL1 protein (p.Thr636Met). This variant is present in population databases (rs200847054, gnomAD 0.007%). This variant has not been reported in the literature in individuals affected with RTEL1-related conditions. ClinVar contains an entry for this variant (Variation ID: 839409). An algorithm developed to predict the effect of missense changes on protein structure and function outputs the following: PolyPhen-2: "Benign". The methionine amino acid residue is found in multiple mammalian species, which suggests that this missense change does not adversely affect protein function. In summary, the available evidence is currently insufficient to determine the role of this variant in disease. Therefore, it has been classified as a Variant of Uncertain Significance.

Ambry Genetics
Classification: Likely benign for Inborn genetic diseases. Last evaluated: 2025-08-21. Review status: criteria provided, single submitter. Criteria: Ambry Variant Classification Scheme 2023. Collection method: clinical testing. Allele origin: germline.

Natera, Inc.
Classification: Uncertain significance for Dyskeratosis congenita. Last evaluated: 2021-05-25. Review status: no assertion criteria provided. Collection method: clinical testing. Allele origin: germline. Not counted in ClinVar's aggregate classification.